The following is an entry in ClinVar:

ClinVar aggregate classification (germline): Uncertain significance (1 of 4 stars; one submission).

Conditions:
Werner syndrome (WRN). Identifiers: Orphanet 902, MedGen C0043119, MONDO:0010196, OMIM 277700.

Allele frequency attached by ClinVar (database versions not stated): gnomAD exomes below 0.00001; ExAC 0.00001; TOPMed 0.00001; gnomAD 0.00002; ESP Exome Variant Server 0.00008.
gnomAD v4.1: 3 of 1,613,878 alleles (0.00019%); highest among the groups gnomAD compares: African/African-American, 0.004%; no homozygotes.

Submission:

Labcorp Genetics (formerly Invitae), Labcorp
Classification: Uncertain significance for Werner syndrome. Last evaluated: 2024-04-10. Review status: criteria provided, single submitter. Criteria: Invitae Variant Classification Sherloc (09022015). Collection method: clinical testing. Allele origin: germline.
Comment: This sequence change replaces glutamine with proline at codon 1229 of the WRN protein (p.Gln1229Pro). The glutamine residue is moderately conserved and there is a moderate physicochemical difference between glutamine and proline. This variant is present in population databases (rs369158322, gnomAD 0.007%). This variant has not been reported in the literature in individuals affected with WRN-related conditions. ClinVar contains an entry for this variant (Variation ID: 846289). An algorithm developed to predict the effect of missense changes on protein structure and function (PolyPhen-2) suggests that this variant is likely to be tolerated. Algorithms developed to predict the effect of sequence changes on RNA splicing suggest that this variant may disrupt the consensus splice site. In summary, the available evidence is currently insufficient to determine the role of this variant in disease. Therefore, it has been classified as a Variant of Uncertain Significance.

NM_000553.6(WRN):c.3686A>C (p.Gln1229Pro)

Gene: WRN (WRN RecQ like helicase; plus strand). Cytogenetic location: 8p12.
Variant type: single nucleotide variant.
Coding change: c.3686A>C on transcript NM_000553.6 (MANE Select); coding-DNA position 3686, A replaced by C.
Protein change: p.Gln1229Pro; replaces glutamine 1229 with proline.
Molecular consequence: missense variant.
Genome position (GRCh38, 1-based): chr8:31,150,454, A>C. VCF-style: chr8-31150454-A-C. GRCh37 (hg19) VCF-style: chr8-31007970-A-C.
Other names: short protein forms Q1229P.
Identifiers: ClinVar variation 846289 (VCV000846289.6), dbSNP rs369158322, ClinGen allele CA4705145.